The following is an entry in ClinVar:

ClinVar aggregate classification (germline): Likely pathogenic (1 of 4 stars; one submission).

Conditions:
Congenital hyperammonemia, type I. Also called: Carbamoyl phosphate synthetase 1 deficiency; Hyperammonemia due to carbamoyl phosphate synthetase 1 deficiency; CPS 1 deficiency; Carbamyl phosphate synthetase (CPS) deficiency; CPS I DEFICIENCY; Carbamoyl-phosphate synthase I deficiency. Identifiers: Orphanet 147, MedGen C4082171, MONDO:0009376, OMIM 237300.

Submission:

Myriad Genetics, Inc.
Classification: Likely pathogenic for Congenital hyperammonemia, type I. Last evaluated: 2022-01-15. Review status: criteria provided, single submitter. Criteria: Myriad Women's Health Autosomal Recessive and X-Linked Classification Criteria (2021). Collection method: clinical testing. Allele origin: unknown.
Comment: NM_001875.4(CPS1):c.3812_3813ins7(G1272Vfs*5) is expected to be pathogenic in the context of carbamoylphosphate synthetase I deficiency. This variant is predicted to lead to an abnormal or absent protein product due to the creation of a premature termination codon in CPS1, a gene where loss-of-function variants are known to be pathogenic. Please note: this variant was assessed in the context of healthy population screening.

NM_001875.5(CPS1):c.3812_3813insAGTATTC (p.Gly1272fs)

Gene: CPS1 (carbamoyl-phosphate synthase 1; plus strand). Cytogenetic location: 2q34.
Variant type: Insertion.
Coding change: c.3812_3813insAGTATTC on transcript NM_001875.5 (MANE Select); coding-DNA positions 3812 to 3813, AGTATTC inserted.
Protein change: p.Gly1272fs; shifts the reading frame from glycine 1272.
Molecular consequence: frameshift variant. On other transcripts: non-coding transcript variant (2).
Genome position: GRCh38 VCF-style: chr2-210660540-T-TAGTATTC. GRCh37 (hg19) VCF-style: chr2-211525264-T-TAGTATTC.
Other names: c.3812_3813insAGTATTC, p.Gly1272fs (NM_001122633.3, NM_001369257.1); c.3845_3846insAGTATTC, p.Gly1283fs (NM_001369256.1); short protein forms G1272fs, G1283fs.
Identifiers: ClinVar variation 1723943 (VCV001723943.2), dbSNP rs2469332659, ClinGen allele CA2580065549.